The following is an entry in ClinVar:

ClinVar aggregate classification (germline): Uncertain significance (1 of 4 stars; one submission).

Conditions:
Hereditary cancer-predisposing syndrome. Also called: Hereditary Cancer Syndrome; Hereditary neoplastic syndrome; Neoplastic Syndromes, Hereditary; Tumor predisposition. Identifiers: Orphanet 140162, MedGen C0027672, MeSH D009386, MONDO:0015356.

Submission:

Ambry Genetics
Classification: Uncertain significance for Hereditary cancer-predisposing syndrome. Last evaluated: 2025-07-13. Review status: criteria provided, single submitter. Criteria: Ambry Variant Classification Scheme 2023. Collection method: clinical testing. Allele origin: germline.
Comment: The p.I951F variant (also known as c.2851A>T), located in coding exon 18 of the BRIP1 gene, results from an A to T substitution at nucleotide position 2851. The isoleucine at codon 951 is replaced by phenylalanine, an amino acid with highly similar properties. This amino acid position is conserved. In addition, this alteration is predicted to be tolerated by in silico analysis. Based on the available evidence, the clinical significance of this variant remains unclear.

NM_032043.3(BRIP1):c.2851A>T (p.Ile951Phe)

Gene: BRIP1 (BRCA1 interacting DNA helicase 1; minus strand). Cytogenetic location: 17q23.2.
Variant type: single nucleotide variant.
Coding change: c.2851A>T on transcript NM_032043.3 (MANE Select); coding-DNA position 2851, A replaced by T.
Protein change: p.Ile951Phe; replaces isoleucine 951 with phenylalanine.
Molecular consequence: missense variant.
Genome position (GRCh38, 1-based): chr17:61,685,890, T>A on the plus strand (A>T on the coding strand, the complement: BRIP1 is on the minus strand). VCF-style: chr17-61685890-T-A. GRCh37 (hg19) VCF-style: chr17-59763251-T-A.
Other names: short protein forms I951F.
Identifiers: ClinVar variation 4216258 (VCV004216258.1).